The following is an entry in ClinVar:

NM_004304.5(ALK):c.985T>G (p.Ser329Ala)

Gene: ALK (ALK receptor tyrosine kinase; minus strand). Cytogenetic location: 2p23.2.
Variant type: single nucleotide variant.
Coding change: c.985T>G on transcript NM_004304.5 (MANE Select); coding-DNA position 985, T replaced by G.
Protein change: p.Ser329Ala; replaces serine 329 with alanine.
Molecular consequence: missense variant.
Genome position (GRCh38, 1-based): chr2:29,532,084, A>C on the plus strand (T>G on the coding strand, the complement: ALK is on the minus strand). VCF-style: chr2-29532084-A-C. GRCh37 (hg19) VCF-style: chr2-29754950-A-C.
Other names: c.985T>G (NM_004304.4); short protein forms S329A.
Identifiers: ClinVar variation 1463154 (VCV001463154.9), dbSNP rs1673136181, ClinGen allele CA346587524.
Genomic context (GRCh38, chr2:29,532,084, plus strand): 5'-CGGCCAGTGTGCAGTGCTCACTGCTGCTCCTCATCCACGGACTCAGGATGGTGTGCTTGG[A>C]GTCAGCTGAGGTGTTGAGAAGGAGAAAGGAGCCTGGAAAGAGACAGGGAAAACGAATCTG-3'
Protein context (NP_004295.2, residues 319-339): SFLLLNTSAD[Ser329Ala]KHTILSPWMR

ClinVar aggregate classification (germline): Conflicting classifications of pathogenicity. Review status: criteria provided, conflicting classifications (1 of 4 stars). 2 submissions from 2 submitters: Uncertain significance (1); Likely benign (1). Last evaluated 2024-12-23.

Conditions:
Hereditary cancer-predisposing syndrome. Also called: Neoplastic Syndromes, Hereditary; Hereditary Cancer Syndrome; Tumor predisposition; Hereditary neoplastic syndrome. Identifiers: Orphanet 140162, MedGen C0027672, MeSH D009386, MONDO:0015356.
Neuroblastoma, susceptibility to, 3. Also called: ALK-Related Neuroblastic Tumor Susceptibility. Identifiers: Orphanet 635, MedGen C2751681, MONDO:0013083, OMIM 613014.

Allele frequency attached by ClinVar (database versions not stated): gnomAD exomes below 0.00001.
gnomAD v4.1: 1 of 1,613,972 alleles (0.000062%); highest among the groups gnomAD compares: Non-Finnish European, 0.000085%; no homozygotes.

Submissions (2):

Ambry Genetics
Classification: Likely benign for Hereditary cancer-predisposing syndrome. Last evaluated: 2024-12-23. Review status: criteria provided, single submitter. Criteria: Ambry Variant Classification Scheme 2023. Collection method: clinical testing. Allele origin: germline.

Labcorp Genetics (formerly Invitae), Labcorp
Classification: Uncertain significance for Neuroblastoma, susceptibility to, 3. Last evaluated: 2021-04-04. Review status: criteria provided, single submitter. Criteria: Invitae Variant Classification Sherloc (09022015). Collection method: clinical testing. Allele origin: germline.
Comment: This sequence change replaces serine with alanine at codon 329 of the ALK protein (p.Ser329Ala). The serine residue is moderately conserved and there is a moderate physicochemical difference between serine and alanine. In summary, the available evidence is currently insufficient to determine the role of this variant in disease. Therefore, it has been classified as a Variant of Uncertain Significance. Algorithms developed to predict the effect of missense changes on protein structure and function are either unavailable or do not agree on the potential impact of this missense change (SIFT: "Deleterious"; PolyPhen-2: "Benign"; Align-GVGD: "Class C0"). This variant has not been reported in the literature in individuals with ALK-related conditions. This variant is not present in population databases (ExAC no frequency).